The following is an entry in ClinVar:

ClinVar aggregate classification (germline): Uncertain significance (1 of 4 stars; one submission).

gnomAD v4.1: 3 of 1,609,636 alleles (0.00019%); highest among the groups gnomAD compares: Admixed American, 0.0033%; no homozygotes.

Submission:

Mayo Clinic Laboratories, Mayo Clinic
Classification: Uncertain significance. Last evaluated: 2024-02-20. Review status: criteria provided, single submitter. Criteria: ACMG Guidelines, 2015. Collection method: clinical testing. Allele origin: germline. Observed: 1 variant allele.
Comment: PM1_supporting, PM2_moderate

NM_001261826.3(AP3D1):c.1702G>A (p.Val568Met)

Gene: AP3D1 (adaptor related protein complex 3 subunit delta 1; minus strand). Cytogenetic location: 19p13.3.
Variant type: single nucleotide variant.
Coding change: c.1702G>A on transcript NM_001261826.3 (MANE Select); coding-DNA position 1702, G replaced by A.
Protein change: p.Val568Met; replaces valine 568 with methionine.
Molecular consequence: missense variant.
Genome position (GRCh38, 1-based): chr19:2,118,612, C>T on the plus strand (G>A on the coding strand, the complement: AP3D1 is on the minus strand). VCF-style: chr19-2118612-C-T. GRCh37 (hg19) VCF-style: chr19-2118611-C-T.
Other names: p.Val568Met; c.1702G>A, p.Val568Met (NM_001374799.1, NM_003938.8); short protein forms V568M.
Identifiers: ClinVar variation 3380556 (VCV003380556.1).
Genomic context (GRCh38, chr19:2,118,612, plus strand): 5'-CACTGAGGGCTCCCTGAGGCTCGGCCCAACACGGAGTGTTGGATCTTACCCGCTCCTGCA[C>T]CTCCAGGTCTGCGCTCTGCACAAACTGGGGCAGCCGGTCCACCATGAGCTGGGTGACGGC-3'
Protein context (NP_001248755.1, residues 558-578): PQFVQSADLE[Val568Met]QERASCILQL